The following is an entry in ClinVar:

NM_006361.6(HOXB13):c.592G>A (p.Ala198Thr)

Gene: HOXB13 (homeobox B13; minus strand). Cytogenetic location: 17q21.32.
Variant type: single nucleotide variant.
Coding change: c.592G>A on transcript NM_006361.6 (MANE Select); coding-DNA position 592, G replaced by A.
Protein change: p.Ala198Thr; replaces alanine 198 with threonine.
Molecular consequence: missense variant.
Genome position (GRCh38, 1-based): chr17:48,728,002, C>T on the plus strand (G>A on the coding strand, the complement: HOXB13 is on the minus strand). VCF-style: chr17-48728002-C-T. GRCh37 (hg19) VCF-style: chr17-46805364-C-T.
Other names: short protein forms A198T.
Identifiers: ClinVar variation 957921 (VCV000957921.10), dbSNP rs2038228873, ClinGen allele CA400107114.

ClinVar aggregate classification (germline): Uncertain significance. Review status: criteria provided, multiple submitters, no conflicts (2 of 4 stars). 2 submissions from 2 submitters: Uncertain significance (2). Last evaluated 2025-06-29.

Conditions:
Hereditary cancer-predisposing syndrome. Also called: Tumor predisposition; Hereditary neoplastic syndrome; Neoplastic Syndromes, Hereditary; Hereditary Cancer Syndrome. Identifiers: Orphanet 140162, MedGen C0027672, MeSH D009386, MONDO:0015356.

Allele frequency attached by ClinVar (database versions not stated): gnomAD exomes below 0.00001.
gnomAD v4.1: 5 of 1,613,576 alleles (0.00031%); highest among the groups gnomAD compares: Non-Finnish European, 0.00042%; no homozygotes.

Submissions (2):

Labcorp Genetics (formerly Invitae), Labcorp
Classification: Uncertain significance. Last evaluated: 2025-06-29. Review status: criteria provided, single submitter. Criteria: Invitae Variant Classification Sherloc (09022015). Collection method: clinical testing. Allele origin: germline.
Comment: This sequence change replaces alanine, which is neutral and non-polar, with threonine, which is neutral and polar, at codon 198 of the HOXB13 protein (p.Ala198Thr). This variant is not present in population databases (gnomAD no frequency). This variant has not been reported in the literature in individuals affected with HOXB13-related conditions. ClinVar contains an entry for this variant (Variation ID: 957921). Invitae Evidence Modeling of protein sequence and biophysical properties (such as structural, functional, and spatial information, amino acid conservation, physicochemical variation, residue mobility, and thermodynamic stability) indicates that this missense variant is not expected to disrupt HOXB13 protein function with a negative predictive value of 80%. In summary, the available evidence is currently insufficient to determine the role of this variant in disease. Therefore, it has been classified as a Variant of Uncertain Significance.

Ambry Genetics
Classification: Uncertain significance for Hereditary cancer-predisposing syndrome. Last evaluated: 2024-09-02. Review status: criteria provided, single submitter. Criteria: Ambry Variant Classification Scheme 2023. Collection method: clinical testing. Allele origin: germline.
Comment: The p.A198T variant (also known as c.592G>A), located in coding exon 1 of the HOXB13 gene, results from a G to A substitution at nucleotide position 592. The alanine at codon 198 is replaced by threonine, an amino acid with similar properties. This amino acid position is conserved. In addition, this alteration is predicted to be tolerated by in silico analysis. Based on the available evidence, the clinical significance of this variant remains unclear.